The following is an entry in ClinVar:

ClinVar aggregate classification (germline): Uncertain significance. Review status: criteria provided, multiple submitters, no conflicts (2 of 4 stars). 2 submissions from 2 submitters: Uncertain significance (2). Last evaluated 2024-05-20.

Conditions:
Inborn genetic diseases. Identifiers: MedGen C0950123, MeSH D030342.

Submissions (2):

Ambry Genetics
Classification: Uncertain significance for Inborn genetic diseases. Last evaluated: 2024-05-20. Review status: criteria provided, single submitter. Criteria: Ambry Variant Classification Scheme 2023. Collection method: clinical testing. Allele origin: germline.

GeneDx
Classification: Uncertain significance. Last evaluated: 2023-11-13. Review status: criteria provided, single submitter. Criteria: GeneDx Variant Classification Process June 2021. Collection method: clinical testing. Allele origin: germline. Affected: yes.
Comment: Not observed at significant frequency in large population cohorts (gnomAD); In silico analysis supports that this missense variant does not alter protein structure/function; Has not been previously published as pathogenic or benign to our knowledge

NM_016148.5(SHANK1):c.4489A>C (p.Asn1497His)

Gene: SHANK1 (SH3 and multiple ankyrin repeat domains 1; minus strand). Cytogenetic location: 19q13.33.
Variant type: single nucleotide variant.
Coding change: c.4489A>C on transcript NM_016148.5 (MANE Select); coding-DNA position 4489, A replaced by C.
Protein change: p.Asn1497His; replaces asparagine 1497 with histidine.
Molecular consequence: missense variant.
Genome position (GRCh38, 1-based): chr19:50,667,471, T>G on the plus strand (A>C on the coding strand, the complement: SHANK1 is on the minus strand). VCF-style: chr19-50667471-T-G. GRCh37 (hg19) VCF-style: chr19-51170728-T-G.
Other names: short protein forms N1497H.
Identifiers: ClinVar variation 3318186 (VCV003318186.2).